The following is an entry in ClinVar:

NM_000159.4(GCDH):c.614C>A (p.Thr205Asn)

Gene: GCDH (glutaryl-CoA dehydrogenase; plus strand). Cytogenetic location: 19p13.13.
Variant type: single nucleotide variant.
Coding change: c.614C>A on transcript NM_000159.4 (MANE Select); coding-DNA position 614, C replaced by A.
Protein change: p.Thr205Asn; replaces threonine 205 with asparagine.
Molecular consequence: missense variant. On other transcripts: non-coding transcript variant (2).
Genome position (GRCh38, 1-based): chr19:12,896,100, C>A. VCF-style: chr19-12896100-C-A. GRCh37 (hg19) VCF-style: chr19-13006914-C-A.
Other names: c.614C>A, p.Thr205Asn (NM_013976.5); short protein forms T205N.
Identifiers: ClinVar variation 2178204 (VCV002178204.2), dbSNP rs2512573033, ClinGen allele CA404318322.
Genomic context (GRCh38, chr19:12,896,100, plus strand): 5'-GAAGTGACCCCAGCAGCATGGAGACCAGAGCCCACTACAACTCATCCAACAAGAGCTACA[C>A]CCTCAATGGGACCAAGACCTGGTAAGGGTTCTGGGTGGTGGGCAGGTGGTGAACAGGGGC-3'
Protein context (NP_000150.1, residues 195-215): AHYNSSNKSY[Thr205Asn]LNGTKTWITN

ClinVar aggregate classification (germline): Uncertain significance (1 of 4 stars; one submission).

Conditions:
Glutaric aciduria, type 1. Also called: Glutaryl-CoA dehydrogenase deficiency; Glutaric acidemia type I; GA I; Glutaricaciduria, type I; Glutaric Acidemia Type 1; Glutaricacidemia Type 1. Identifiers: Orphanet 25, MedGen C0268595, MONDO:0009281, OMIM 231670.

Allele frequency attached by ClinVar (database versions not stated): gnomAD exomes 0.00001.
gnomAD v4.1: 3 of 1,614,124 alleles (0.00019%); highest among the groups gnomAD compares: Non-Finnish European, 0.00025%; no homozygotes.

Submission:

Labcorp Genetics (formerly Invitae), Labcorp
Classification: Uncertain significance for Glutaric aciduria, type 1. Last evaluated: 2025-03-18. Review status: criteria provided, single submitter. Criteria: Invitae Variant Classification Sherloc (09022015). Collection method: clinical testing. Allele origin: germline.
Comment: This sequence change replaces threonine, which is neutral and polar, with asparagine, which is neutral and polar, at codon 205 of the GCDH protein (p.Thr205Asn). This variant is not present in population databases (gnomAD no frequency). This variant has not been reported in the literature in individuals affected with GCDH-related conditions. ClinVar contains an entry for this variant (Variation ID: 2178204). Invitae Evidence Modeling of protein sequence and biophysical properties (such as structural, functional, and spatial information, amino acid conservation, physicochemical variation, residue mobility, and thermodynamic stability) indicates that this missense variant is not expected to disrupt GCDH protein function with a negative predictive value of 80%. In summary, the available evidence is currently insufficient to determine the role of this variant in disease. Therefore, it has been classified as a Variant of Uncertain Significance.